The following is an entry in ClinVar:

NM_025144.4(ALPK1):c.1760C>A (p.Ser587Ter)

Gene: ALPK1 (alpha kinase 1; plus strand). Cytogenetic location: 4q25.
Variant type: single nucleotide variant.
Coding change: c.1760C>A on transcript NM_025144.4 (MANE Select); coding-DNA position 1760, C replaced by A.
Protein change: p.Ser587Ter; replaces serine 587 with a stop codon.
Molecular consequence: nonsense.
Genome position (GRCh38, 1-based): chr4:112,431,307, C>A. VCF-style: chr4-112431307-C-A. GRCh37 (hg19) VCF-style: chr4-113352463-C-A.
Other names: c.1760C>A, p.Ser587Ter (NM_001102406.2); c.1526C>A, p.Ser509Ter (NM_001253884.2); short protein forms S509*, S587*.
Identifiers: ClinVar variation 2985420 (VCV002985420.3), dbSNP rs2476504270, ClinGen allele CA357896054.

ClinVar aggregate classification (germline): Uncertain significance (1 of 4 stars; one submission).

gnomAD v4.1: 2 of 1,614,194 alleles (0.00012%); highest among the groups gnomAD compares: South Asian, 0.0022%; no homozygotes.

Submission:

Labcorp Genetics (formerly Invitae), Labcorp
Classification: Uncertain significance. Last evaluated: 2023-12-20. Review status: criteria provided, single submitter. Criteria: Invitae Variant Classification Sherloc (09022015). Collection method: clinical testing. Allele origin: germline.
Comment: This sequence change creates a premature translational stop signal (p.Ser587*) in the ALPK1 gene. It is expected to result in an absent or disrupted protein product. However, the current clinical and genetic evidence is not sufficient to establish whether loss-of-function variants in ALPK1 cause disease. This variant is not present in population databases (gnomAD no frequency). This variant has not been reported in the literature in individuals affected with ALPK1-related conditions. In summary, the available evidence is currently insufficient to determine the role of this variant in disease. Therefore, it has been classified as a Variant of Uncertain Significance.